The following is an entry in ClinVar:

NM_000252.3(MTM1):c.1147_1148insAA (p.Ala383fs)

Gene: MTM1 (myotubularin 1; plus strand). Cytogenetic location: Xq28.
Variant type: Insertion.
Coding change: c.1147_1148insAA on transcript NM_000252.3 (MANE Select); coding-DNA positions 1147 to 1148, AA inserted.
Protein change: p.Ala383fs; shifts the reading frame from alanine 383.
Molecular consequence: frameshift variant.
Genome position: GRCh38 VCF-style: chrX-150657914-G-GAA. GRCh37 (hg19) VCF-style: chrX-149826387-G-GAA.
Other names: c.1147_1148insAA, p.Ala383fs (NM_001376906.1, NM_001376908.1); c.1036_1037insAA, p.Ala346fs (NM_001376907.1); short protein forms A346fs, A383fs.
Identifiers: ClinVar variation 5011739 (VCV005011739.1).

ClinVar aggregate classification (germline): Pathogenic (1 of 4 stars; one submission).

Conditions:
Severe X-linked myotubular myopathy (CNMX). Also called: X-linked centronuclear myopathy; MYOTUBULAR MYOPATHY 1; Myotubular myopathy, X-linked. Identifiers: Orphanet 596, MedGen C0410203, MONDO:0010683, OMIM 310400.

Submission:

Myriad Genetics, Inc.
Classification: Pathogenic for Severe X-linked myotubular myopathy. Last evaluated: 2023-09-27. Review status: criteria provided, single submitter. Criteria: Myriad Autosomal Dominant, Autosomal Recessive and X-Linked Classification Criteria (2023). Collection method: clinical testing. Allele origin: unknown.
Comment: NM_000252.2(MTM1):c.1147_1148insAA(A383Efs*4) is expected to be pathogenic in the context of X-linked myotubular myopathy. This variant is predicted to lead to an abnormal or absent protein product due to the creation of a premature termination codon in MTM1, a gene where loss-of-function variants are known to be pathogenic. Please note: this variant was assessed in the context of healthy population screening.